The following is an entry in ClinVar:

ClinVar aggregate classification (germline): Uncertain significance. Review status: criteria provided, multiple submitters, no conflicts (2 of 4 stars). 2 submissions from 2 submitters: Uncertain significance (2). Last evaluated 2026-02-02.

Conditions:
Aortic aneurysm, familial thoracic 7 (AAT7). Also called: AORTIC DISSECTION, FAMILIAL, WITH OR WITHOUT AORTIC ANEURYSM. Identifiers: MedGen C3151077, MONDO:0013418, OMIM 613780.

gnomAD v4.1: 3 of 1,613,370 alleles (0.00019%); highest among the groups gnomAD compares: Admixed American, 0.0033%; no homozygotes.

Submissions (2):

Labcorp Genetics (formerly Invitae), Labcorp
Classification: Uncertain significance for Aortic aneurysm, familial thoracic 7. Last evaluated: 2026-02-02. Review status: criteria provided, single submitter. Criteria: Invitae Variant Classification Sherloc (09022015). Collection method: clinical testing. Allele origin: germline.
Comment: This sequence change replaces asparagine, which is neutral and polar, with lysine, which is basic and polar, at codon 1614 of the MYLK protein (p.Asn1614Lys). This variant is present in population databases (no rsID available, gnomAD no frequency). This variant has not been reported in the literature in individuals affected with MYLK-related conditions. ClinVar contains an entry for this variant (Variation ID: 1339296). Invitae Evidence Modeling of protein sequence and biophysical properties (such as structural, functional, and spatial information, amino acid conservation, physicochemical variation, residue mobility, and thermodynamic stability) indicates that this missense variant is not expected to disrupt MYLK protein function with a negative predictive value of 80%. In summary, the available evidence is currently insufficient to determine the role of this variant in disease. Therefore, it has been classified as a Variant of Uncertain Significance.

Phosphorus, Inc.
Classification: Uncertain significance. Last evaluated: 2022-01-17. Review status: criteria provided, single submitter. Criteria: ACMG Guidelines, 2015. Collection method: clinical testing. Allele origin: germline. Inheritance: Autosomal dominant inheritance.
Comment: This missense variant results in an amino acid substitution of asparagine with lysine at codon 1614 of the MYLK gene (NM_053025.3). The variant has no entry in ClinVar and has occurred in GnomAD with a total MAF of 0.0004%. This position is not conserved. In silico functional algorithms agreed, with PolyPhen calling it possibly damaging, and SIFT deleterious, but no functional studies were performed to confirm these predictions. The variant has not occurred in literature associated with disease. Considering that this is a rare variant, whose impact on the protein and association with disease are unknown, it has been classified as a Variant of Uncertain Significance.

NM_053025.4(MYLK):c.4842T>A (p.Asn1614Lys)

Gene: MYLK (myosin light chain kinase; minus strand). Cytogenetic location: 3q21.1.
Variant type: single nucleotide variant.
Coding change: c.4842T>A on transcript NM_053025.4 (MANE Select); coding-DNA position 4842, T replaced by A.
Protein change: p.Asn1614Lys; replaces asparagine 1614 with lysine.
Molecular consequence: missense variant.
Genome position (GRCh38, 1-based): chr3:123,638,190, A>T on the plus strand (T>A on the coding strand, the complement: MYLK is on the minus strand). VCF-style: chr3-123638190-A-T. GRCh37 (hg19) VCF-style: chr3-123357037-A-T.
Other names: c.4314T>A, p.Asn1438Lys (NM_001321309.2); c.4635T>A, p.Asn1545Lys (NM_053026.4, NM_053028.4); c.4842T>A, p.Asn1614Lys (NM_053027.4); short protein forms N1438K, N1545K, N1614K.
Identifiers: ClinVar variation 1339296 (VCV001339296.5), dbSNP rs820463, ClinGen allele CA354225822.